The following is an entry in ClinVar:

NM_001161748.2(LIM2):c.356A>G (p.Tyr119Cys)

Gene: LIM2 (lens intrinsic membrane protein 2; minus strand). Cytogenetic location: 19q13.41.
Variant type: single nucleotide variant.
Coding change: c.356A>G on transcript NM_001161748.2 (MANE Select); coding-DNA position 356, A replaced by G.
Protein change: p.Tyr119Cys; replaces tyrosine 119 with cysteine.
Molecular consequence: missense variant.
Genome position (GRCh38, 1-based): chr19:51,380,609, T>C on the plus strand (A>G on the coding strand, the complement: LIM2 is on the minus strand). VCF-style: chr19-51380609-T-C. GRCh37 (hg19) VCF-style: chr19-51883863-T-C.
Other names: c.482A>G, p.Tyr161Cys (NM_030657.4); c.482A>G (NM_030657.3); short protein forms Y119C, Y161C.
Identifiers: ClinVar variation 2174715 (VCV002174715.5), dbSNP rs769161247, ClinGen allele CA9611499.

ClinVar aggregate classification (germline): Uncertain significance. Review status: criteria provided, multiple submitters, no conflicts (2 of 4 stars). 2 submissions from 2 submitters: Uncertain significance (2). Last evaluated 2024-04-09.

Conditions:
Inborn genetic diseases. Identifiers: MedGen C0950123, MeSH D030342.
Cataract 19 multiple types. Also called: CATARACT 19, CORTICAL PULVERULENT; CATARACT 19, CONGENITAL TOTAL. Identifiers: Orphanet 91492, MedGen C3809004, MONDO:0014111, OMIM 615277.

Allele frequency attached by ClinVar (database versions not stated): gnomAD exomes below 0.00001; TOPMed below 0.00001; ExAC 0.00001; gnomAD 0.00001.
gnomAD v4.1: 8 of 1,613,810 alleles (0.0005%); highest among the groups gnomAD compares: Non-Finnish European, 0.00068%; no homozygotes.

Submissions (2):

Ambry Genetics
Classification: Uncertain significance for Inborn genetic diseases. Last evaluated: 2024-04-09. Review status: criteria provided, single submitter. Criteria: Ambry Variant Classification Scheme 2023. Collection method: clinical testing. Allele origin: germline.

Labcorp Genetics (formerly Invitae), Labcorp
Classification: Uncertain significance for Cataract 19 multiple types. Last evaluated: 2023-02-04. Review status: criteria provided, single submitter. Criteria: Invitae Variant Classification Sherloc (09022015). Collection method: clinical testing. Allele origin: germline.
Comment: This variant has not been reported in the literature in individuals affected with LIM2-related conditions. This sequence change replaces tyrosine, which is neutral and polar, with cysteine, which is neutral and slightly polar, at codon 161 of the LIM2 protein (p.Tyr161Cys). This variant is present in population databases (rs769161247, gnomAD 0.0009%). Algorithms developed to predict the effect of missense changes on protein structure and function (SIFT, PolyPhen-2, Align-GVGD) all suggest that this variant is likely to be disruptive. In summary, the available evidence is currently insufficient to determine the role of this variant in disease. Therefore, it has been classified as a Variant of Uncertain Significance.